The following is an entry in ClinVar:

NM_000321.3(RB1):c.2315C>T (p.Ala772Val)

Gene: RB1 (RB transcriptional corepressor 1; plus strand). Cytogenetic location: 13q14.2.
Variant type: single nucleotide variant.
Coding change: c.2315C>T on transcript NM_000321.3 (MANE Select); coding-DNA position 2315, C replaced by T.
Protein change: p.Ala772Val; replaces alanine 772 with valine.
Molecular consequence: missense variant.
Genome position (GRCh38, 1-based): chr13:48,465,101, C>T. VCF-style: chr13-48465101-C-T. GRCh37 (hg19) VCF-style: chr13-49039237-C-T.
Other names: short protein forms A772V.
Identifiers: ClinVar variation 1511212 (VCV001511212.6), dbSNP rs2138345026, ClinGen allele CA388167718.

ClinVar aggregate classification (germline): Uncertain significance (1 of 4 stars; one submission).

Conditions:
Retinoblastoma (RB1). Also called: RETINOBLASTOMA, SOMATIC. Identifiers: Orphanet 790, MedGen C0035335, MeSH D012175, MONDO:0008380, OMIM 180200, HP:0009919. Disease mechanism: loss of function. Inheritance: Both sporadic and heritable forms are tested..

Submission:

Labcorp Genetics (formerly Invitae), Labcorp
Classification: Uncertain significance for Retinoblastoma. Last evaluated: 2021-10-03. Review status: criteria provided, single submitter. Criteria: Invitae Variant Classification Sherloc (09022015). Collection method: clinical testing. Allele origin: germline.
Comment: In summary, the available evidence is currently insufficient to determine the role of this variant in disease. Therefore, it has been classified as a Variant of Uncertain Significance. Algorithms developed to predict the effect of missense changes on protein structure and function are either unavailable or do not agree on the potential impact of this missense change (SIFT: "Deleterious"; PolyPhen-2: "Probably Damaging"; Align-GVGD: "Class C0"). This variant has not been reported in the literature in individuals affected with RB1-related conditions. This variant is not present in population databases (ExAC no frequency). This sequence change replaces alanine with valine at codon 772 of the RB1 protein (p.Ala772Val). The alanine residue is highly conserved and there is a small physicochemical difference between alanine and valine.